The following is an entry in ClinVar:

NM_000382.3(ALDH3A2):c.1108-1G>C

Gene: ALDH3A2 (aldehyde dehydrogenase 3 family member A2; plus strand). Cytogenetic location: 17p11.2.
Variant type: single nucleotide variant.
Coding change: c.1108-1G>C on transcript NM_000382.3 (MANE Select); the canonical splice acceptor site of the intron before coding-DNA position 1108, G replaced by C.
Molecular consequence: splice acceptor variant.
Genome position (GRCh38, 1-based): chr17:19,664,947, G>C. VCF-style: chr17-19664947-G-C. GRCh37 (hg19) VCF-style: chr17-19568260-G-C.
Other names: c.529-1G>C (NM_001369148.2); c.1108-1G>C (NM_001369137.2, NM_001369138.2, NM_001369146.2 and 3 more transcripts).
Identifiers: ClinVar variation 370452 (VCV000370452.16), dbSNP rs1036733598, ClinGen allele CA16041817.

ClinVar aggregate classification (germline): Pathogenic. Review status: criteria provided, multiple submitters, no conflicts (2 of 4 stars). 6 submissions from 6 submitters: Pathogenic (5). 1 of the submissions does not count toward it. Last evaluated 2025-12-27.

Conditions:
Sjögren-Larsson syndrome (SLS). Also called: FALDH DEFICIENCY; FATTY ALCOHOL:NAD+ OXIDOREDUCTASE DEFICIENCY; FATTY ALDEHYDE DEHYDROGENASE DEFICIENCY; ICHTHYOSIS, SPASTIC NEUROLOGIC DISORDER, AND OLIGOPHRENIA. Identifiers: Orphanet 816, MedGen C0037231, MONDO:0010031, OMIM 270200.

Allele frequency attached by ClinVar (database versions not stated): gnomAD exomes below 0.00001.

Submissions (6):

Labcorp Genetics (formerly Invitae), Labcorp
Classification: Pathogenic. Last evaluated: 2025-12-27. Review status: criteria provided, single submitter. Criteria: Invitae Variant Classification Sherloc (09022015). Collection method: clinical testing. Allele origin: germline.
Comment: This sequence change affects an acceptor splice site in intron 7 of the ALDH3A2 gene. It is expected to disrupt RNA splicing. Variants that disrupt the donor or acceptor splice site typically lead to a loss of protein function (PMID: 16199547), and loss-of-function variants in ALDH3A2 are known to be pathogenic (PMID: 10577908, 10854114). This variant is present in population databases (no rsID available, gnomAD 0.003%). Disruption of this splice site has been observed in individuals with Sjogren-Larsson syndrome (PMID: 10577908, 15241804). ClinVar contains an entry for this variant (Variation ID: 370452). Algorithms developed to predict the effect of sequence changes on RNA splicing suggest that this variant may disrupt the consensus splice site. For these reasons, this variant has been classified as Pathogenic.

Natera, Inc.
Classification: Pathogenic for Sjögren-Larsson syndrome. Last evaluated: 2025-09-02. Review status: criteria provided, single submitter. Criteria: Natera Variant Classification Schema (03/2026). Collection method: clinical testing. Allele origin: germline.
Comment: The c.1108-1G>C variant in ALDH3A2 is a canonical splice acceptor site variant predicted to affect pre-mRNA splicing, which may result in an abnormal transcript and altered protein product. This variant is expected to result in nonsense mediated decay, truncation, or a dysfunctional protein product. This variant is rare in the general population with a frequency below the threshold expected for the associated phenotype(s). This variant has been observed in one or more individuals affected with the associated recessive disease, as either homozygous or compound heterozygous with a second variant (PMID: 16536828). Given the available evidence, this variant is classified as Pathogenic.

Fulgent Genetics
Classification: Pathogenic for Sjögren-Larsson syndrome. Last evaluated: 2024-04-25. Review status: criteria provided, single submitter. Criteria: ACMG Guidelines, 2015. Collection method: clinical testing. Allele origin: germline.

GeneDx
Classification: Pathogenic. Last evaluated: 2023-03-01. Review status: criteria provided, single submitter. Criteria: GeneDx Variant Classification Process June 2021. Collection method: clinical testing. Allele origin: germline. Affected: yes.
Comment: Canonical splice site variant shown to result in a null allele by splicing studies in a gene for which loss-of-function is a known mechanism of disease (Rizzo et al., 1999); Not observed at significant frequency in large population cohorts (gnomAD); This variant is associated with the following publications: (PMID: 29742247, 16927642, 10577908, 34426522, 29899769, 15241804, 31589614, 25525159, 16536828)

Women's Health and Genetics/Laboratory Corporation of America, LabCorp
Classification: Pathogenic for SjÃ¶gren-Larsson syndrome. Last evaluated: 2020-08-10. Review status: criteria provided, single submitter. Criteria: LabCorp Variant Classification Summary - May 2015. Collection method: clinical testing. Allele origin: germline.
Comment: Variant summary: ALDH3A2 c.1108-1G>C is located in a canonical splice-site and is predicted to affect mRNA splicing resulting in a significantly altered protein due to either exon skipping, shortening, or inclusion of intronic material. Several computational tools predict a significant impact on normal splicing: four predict the variant abolishes a 3' acceptor site. A publication also reported experimental evidence confirming that this variant affects mRNA splicing, resulting in exon skipping (Rizzo_1999). The variant allele was found at a frequency of 4e-06 in 251256 control chromosomes. c.1108-1G>C has been reported in the literature in multiple homozygous and compound heterozygous individuals affected with Sjogren-Larsson Syndrome (Rizzo_1999, Carney_2004, Auada_2006). These data indicate that the variant is very likely to be associated with disease. Publications also reported experimental evidence evaluating an impact on protein function, and demonstrated <10% of normal activity in fibroblasts derived from homozygous patients (Carney_2004, Auada_2006). One clinical diagnostic laboratory has submitted clinical-significance assessments for this variant to ClinVar after 2014 without evidence for independent evaluation, and classified the variant as pathogenic. Based on the evidence outlined above, the variant was classified as pathogenic.

Counsyl
Classification: Pathogenic for Sjögren-Larsson syndrome. Last evaluated: 2016-02-12. Review status: no assertion criteria provided. Collection method: clinical testing. Allele origin: unknown. Not counted in ClinVar's aggregate classification.

Literature cited by the submitters: PubMed 16199547 (cited by Labcorp Genetics (formerly Invitae), Labcorp); PubMed 10577908 (cited by 3 submitters); PubMed 10854114 (cited by Labcorp Genetics (formerly Invitae), Labcorp); PubMed 15241804 (cited by 3 submitters); PubMed 16536828 (cited by 3 submitters).